The following is an entry in ClinVar:

NM_015425.6(POLR1A):c.3214A>G (p.Ile1072Val)

Gene: POLR1A (RNA polymerase I subunit A; minus strand). Cytogenetic location: 2p11.2.
Variant type: single nucleotide variant.
Coding change: c.3214A>G on transcript NM_015425.6 (MANE Select); coding-DNA position 3214, A replaced by G.
Protein change: p.Ile1072Val; replaces isoleucine 1072 with valine.
Molecular consequence: missense variant.
Genome position (GRCh38, 1-based): chr2:86,043,117, T>C on the plus strand (A>G on the coding strand, the complement: POLR1A is on the minus strand). VCF-style: chr2-86043117-T-C. GRCh37 (hg19) VCF-style: chr2-86270240-T-C.
Other names: short protein forms I1072V.
Identifiers: ClinVar variation 4691768 (VCV004691768.1).

ClinVar aggregate classification (germline): Uncertain significance (1 of 4 stars; one submission).

gnomAD v4.1: 1 of 1,614,184 alleles (0.000062%); highest among the groups gnomAD compares: Non-Finnish European, 0.000085%; no homozygotes.

Submission:

Labcorp Genetics (formerly Invitae), Labcorp
Classification: Uncertain significance. Last evaluated: 2025-06-24. Review status: criteria provided, single submitter. Criteria: Invitae Variant Classification Sherloc (09022015). Collection method: clinical testing. Allele origin: germline.
Comment: This sequence change replaces isoleucine, which is neutral and non-polar, with valine, which is neutral and non-polar, at codon 1072 of the POLR1A protein (p.Ile1072Val). This variant is not present in population databases (gnomAD no frequency). This variant has not been reported in the literature in individuals affected with POLR1A-related conditions. Invitae Evidence Modeling of protein sequence and biophysical properties (such as structural, functional, and spatial information, amino acid conservation, physicochemical variation, residue mobility, and thermodynamic stability) indicates that this missense variant is not expected to disrupt POLR1A protein function with a negative predictive value of 80%. In summary, the available evidence is currently insufficient to determine the role of this variant in disease. Therefore, it has been classified as a Variant of Uncertain Significance.